The following is an entry in ClinVar:

ClinVar aggregate classification (germline): Uncertain significance (1 of 4 stars; one submission).

Conditions:
Hypertrophic cardiomyopathy. Also called: HYPERTROPHIC MYOCARDIOPATHY. Identifiers: Orphanet 217569, MedGen C0007194, MeSH D002312, MONDO:0005045, HP:0001639.

Submission:

Labcorp Genetics (formerly Invitae), Labcorp
Classification: Uncertain significance for Hypertrophic cardiomyopathy. Last evaluated: 2022-02-25. Review status: criteria provided, single submitter. Criteria: Invitae Variant Classification Sherloc (09022015). Collection method: clinical testing. Allele origin: germline.
Comment: This sequence change replaces glycine, which is neutral and non-polar, with aspartic acid, which is acidic and polar, at codon 804 of the MYOM1 protein (p.Gly804Asp). This variant is not present in population databases (gnomAD no frequency). This variant has not been reported in the literature in individuals affected with MYOM1-related conditions. Algorithms developed to predict the effect of missense changes on protein structure and function are either unavailable or do not agree on the potential impact of this missense change (SIFT: "Tolerated"; PolyPhen-2: "Probably Damaging"; Align-GVGD: "Class C0"). In summary, the available evidence is currently insufficient to determine the role of this variant in disease. Therefore, it has been classified as a Variant of Uncertain Significance.

NM_003803.4(MYOM1):c.2411G>A (p.Gly804Asp)

Gene: MYOM1 (myomesin 1; minus strand). Cytogenetic location: 18p11.31.
Variant type: single nucleotide variant.
Coding change: c.2411G>A on transcript NM_003803.4 (MANE Select); coding-DNA position 2411, G replaced by A.
Protein change: p.Gly804Asp; replaces glycine 804 with aspartic acid.
Molecular consequence: missense variant.
Genome position (GRCh38, 1-based): chr18:3,131,470, C>T on the plus strand (G>A on the coding strand, the complement: MYOM1 is on the minus strand). VCF-style: chr18-3131470-C-T. GRCh37 (hg19) VCF-style: chr18-3131468-C-T.
Other names: c.2411G>A, p.Gly804Asp (NM_019856.2); short protein forms G804D.
Identifiers: ClinVar variation 2103471 (VCV002103471.4), dbSNP rs1567923232, ClinGen allele CA401711458.
Genomic context (GRCh38, chr18:3,131,470, plus strand): 5'-TGGGAATATTCACTAAGTCCAGCTGCATTGACTGCTCTGACCCGGAAAATATAACTCTGA[C>T]CAGTCACTAATCCATGACAAGTGAATCTAAAAGGAAAACAAGTTTTAAAAAATTTTCCTA-3'
Protein context (NP_003794.3, residues 794-814): SRFTCHGLVT[Gly804Asp]QSYIFRVRAV